The following is an entry in ClinVar:

ClinVar aggregate classification (germline): Uncertain significance (1 of 4 stars; one submission).

Conditions:
Primary ciliary dyskinesia. Also called: Ciliary dyskinesia. Identifiers: Orphanet 244, MedGen C0008780, MONDO:0016575, HP:0012265.

Submission:

Labcorp Genetics (formerly Invitae), Labcorp
Classification: Uncertain significance for Primary ciliary dyskinesia. Last evaluated: 2024-03-07. Review status: criteria provided, single submitter. Criteria: Invitae Variant Classification Sherloc (09022015). Collection method: clinical testing. Allele origin: germline.
Comment: This sequence change falls in intron 16 of the CCDC40 gene. It does not directly change the encoded amino acid sequence of the CCDC40 protein. It affects a nucleotide within the consensus splice site. This variant is not present in population databases (gnomAD no frequency). This variant has not been reported in the literature in individuals affected with CCDC40-related conditions. Variants that disrupt the consensus splice site are a relatively common cause of aberrant splicing (PMID: 17576681, 9536098). Algorithms developed to predict the effect of sequence changes on RNA splicing suggest that this variant may disrupt the consensus splice site. In summary, the available evidence is currently insufficient to determine the role of this variant in disease. Therefore, it has been classified as a Variant of Uncertain Significance.

Literature cited by the submitters: PubMed 17576681; PubMed 9536098.

NM_017950.4(CCDC40):c.2711+6T>A

Gene: CCDC40 (coiled-coil domain 40 molecular ruler complex subunit; plus strand). Cytogenetic location: 17q25.3.
Variant type: single nucleotide variant.
Coding change: c.2711+6T>A on transcript NM_017950.4 (MANE Select); 6 bases into the intron after coding-DNA position 2711, T replaced by A.
Molecular consequence: intron variant.
Genome position (GRCh38, 1-based): chr17:80,088,108, T>A. VCF-style: chr17-80088108-T-A. GRCh37 (hg19) VCF-style: chr17-78061907-T-A.
Other names: c.2711+6T>A (NM_001243342.2).
Identifiers: ClinVar variation 3689558 (VCV003689558.2).
Genomic context (GRCh38, chr17:80,088,108, plus strand): 5'-TGAACCAGCTCAGCGAGGAGAAGGCGACCCTCCTGAATCAACTGGTGGAAGCAGAGTGAG[T>A]CCCAGTCTCCAGCCACACGTGGGTCATGAAGGTCACTGCACCTACAGGCCTCTGTCCGTT-3'